The following is an entry in ClinVar:

ClinVar aggregate classification (germline): Uncertain significance (1 of 4 stars; one submission).

Conditions:
Fanconi anemia (FA). Also called: Fanconi's anemia. Identifiers: Orphanet 84, MedGen C0015625, MeSH D005199, MONDO:0019391.

Submission:

Labcorp Genetics (formerly Invitae), Labcorp
Classification: Uncertain significance for Fanconi anemia. Last evaluated: 2024-10-27. Review status: criteria provided, single submitter. Criteria: Invitae Variant Classification Sherloc (09022015). Collection method: clinical testing. Allele origin: germline.
Comment: This sequence change replaces glutamic acid, which is acidic and polar, with lysine, which is basic and polar, at codon 717 of the FANCI protein (p.Glu717Lys). This variant is not present in population databases (gnomAD no frequency). This variant has not been reported in the literature in individuals affected with FANCI-related conditions. Invitae Evidence Modeling of protein sequence and biophysical properties (such as structural, functional, and spatial information, amino acid conservation, physicochemical variation, residue mobility, and thermodynamic stability) indicates that this missense variant is expected to disrupt FANCI protein function with a positive predictive value of 80%. Algorithms developed to predict the effect of sequence changes on RNA splicing suggest that this variant may create or strengthen a splice site. In summary, the available evidence is currently insufficient to determine the role of this variant in disease. Therefore, it has been classified as a Variant of Uncertain Significance.

NM_001113378.2(FANCI):c.2149G>A (p.Glu717Lys)

Gene: FANCI (FA complementation group I; plus strand). Cytogenetic location: 15q26.1.
Variant type: single nucleotide variant.
Coding change: c.2149G>A on transcript NM_001113378.2 (MANE Select); coding-DNA position 2149, G replaced by A.
Protein change: p.Glu717Lys; replaces glutamic acid 717 with lysine.
Molecular consequence: missense variant.
Genome position (GRCh38, 1-based): chr15:89,292,844, G>A. VCF-style: chr15-89292844-G-A. GRCh37 (hg19) VCF-style: chr15-89836075-G-A.
Other names: c.1870G>A, p.Glu624Lys (NM_001376910.1); c.2149G>A, p.Glu717Lys (NM_001376911.1, NM_018193.3); short protein forms E717K, E624K.
Identifiers: ClinVar variation 3706766 (VCV003706766.2).